The following is an entry in ClinVar:

NM_001283009.2(RTEL1):c.2810C>T (p.Pro937Leu)

Genes: RTEL1 (regulator of telomere elongation helicase 1; plus strand), RTEL1-TNFRSF6B (RTEL1-TNFRSF6B readthrough (NMD candidate); plus strand). Cytogenetic location: 20q13.33.
Variant type: single nucleotide variant.
Coding change: c.2810C>T on transcript NM_001283009.2 (MANE Select); coding-DNA position 2810, C replaced by T.
Protein change: p.Pro937Leu; replaces proline 937 with leucine.
Molecular consequence: missense variant. On other transcripts: non-coding transcript variant (1).
Genome position (GRCh38, 1-based): chr20:63,692,962, C>T. VCF-style: chr20-63692962-C-T. GRCh37 (hg19) VCF-style: chr20-62324315-C-T.
Other names: c.2141C>T, p.Pro714Leu (NM_001283010.1); c.2810C>T, p.Pro937Leu (NM_016434.4); c.2882C>T, p.Pro961Leu (NM_032957.5); short protein forms P714L, P937L, P961L.
Identifiers: ClinVar variation 715152 (VCV000715152.19), dbSNP rs140986557, ClinGen allele CA9965551.

ClinVar aggregate classification (germline): Conflicting classifications of pathogenicity. Review status: criteria provided, conflicting classifications (1 of 4 stars). 7 submissions from 7 submitters: Uncertain significance (1); Likely benign (5). 1 of the submissions does not count toward it. Last evaluated 2026-02-01.

Conditions:
Pulmonary fibrosis and/or bone marrow failure, Telomere-related, 3. Also called: PULMONARY FIBROSIS AND/OR BONE MARROW FAILURE SYNDROME, TELOMERE-RELATED, 3. Identifiers: Orphanet 2032, MedGen C4225346, MONDO:0014613, OMIM 616373.
Dyskeratosis congenita, autosomal recessive 5 (DKCB5). Identifiers: MedGen C3554656, MONDO:0014076, OMIM 615190.
Inborn genetic diseases. Identifiers: MedGen C0950123, MeSH D030342.
Dyskeratosis congenita. Identifiers: Orphanet 1775, MedGen C0265965, MONDO:0015780.

Allele frequency attached by ClinVar (database versions not stated): 1000 Genomes Project 30x 0.00031; 1000 Genomes Project 0.00040; ESP Exome Variant Server 0.00062; TOPMed 0.00092; gnomAD 0.00096.
gnomAD v4.1: 278 of 1,612,652 alleles (0.017%); highest among the groups gnomAD compares: African/African-American, 0.28%; no homozygotes.

Submissions (7):

Labcorp Genetics (formerly Invitae), Labcorp
Classification: Likely benign for Dyskeratosis congenita, autosomal recessive 5; Pulmonary fibrosis and/or bone marrow failure, Telomere-related, 3. Last evaluated: 2026-02-01. Review status: criteria provided, single submitter. Criteria: Invitae Variant Classification Sherloc (09022015). Collection method: clinical testing. Allele origin: germline.

GeneDx
Classification: Uncertain significance. Last evaluated: 2025-05-25. Review status: criteria provided, single submitter. Criteria: GeneDx Variant Classification Process June 2021. Collection method: clinical testing. Allele origin: germline.
Comment: In silico analysis supports that this missense variant has a deleterious effect on protein structure/function; Has not been previously published as pathogenic or benign to our knowledge

ARUP Laboratories, Molecular Genetics and Genomics, ARUP Laboratories
Classification: Likely benign. Last evaluated: 2024-10-17. Review status: criteria provided, single submitter. Criteria: ARUP Molecular Germline Variant Investigation Process 2024. Collection method: clinical testing. Allele origin: germline.

Blueprint Genetics
Classification: Likely benign. Last evaluated: 2024-03-09. Review status: criteria provided, single submitter. Criteria: ACMG Guidelines, 2015. Collection method: clinical testing. Allele origin: germline.

Ambry Genetics
Classification: Likely benign for Inborn genetic diseases. Last evaluated: 2022-05-06. Review status: criteria provided, single submitter. Criteria: Ambry Variant Classification Scheme 2023. Collection method: clinical testing. Allele origin: germline.

Sema4
Classification: Likely benign for Dyskeratosis congenita. Last evaluated: 2021-04-05. Review status: criteria provided, single submitter. Criteria: Sema4 Curation Guidelines. Collection method: curation. Allele origin: germline.

Natera, Inc.
Classification: Likely benign for Dyskeratosis congenita. Last evaluated: 2020-01-03. Review status: no assertion criteria provided. Collection method: clinical testing. Allele origin: germline. Not counted in ClinVar's aggregate classification.